The following is an entry in ClinVar:

ClinVar aggregate classification (germline): Benign (1 of 4 stars; one submission).

Allele frequency attached by ClinVar (database versions not stated): 1000 Genomes Project 30x 0.04350; 1000 Genomes Project 0.04371; TOPMed 0.05456.
gnomAD v4.1: 6,627 of 111,587 alleles (5.9%); highest among the groups gnomAD compares: Non-Finnish European, 7.8%; 163 homozygotes.

Submission:

GeneDx
Classification: Benign. Last evaluated: 2018-06-14. Review status: criteria provided, single submitter. Criteria: GeneDx Variant Classification (06012015). Collection method: clinical testing. Allele origin: germline. Affected: yes.
Comment: This variant is considered likely benign or benign based on one or more of the following criteria: it is a conservative change, it occurs at a poorly conserved position in the protein, it is predicted to be benign by multiple in silico algorithms, and/or has population frequency not consistent with disease.

NM_000252.3(MTM1):c.529-257C>G

Gene: MTM1 (myotubularin 1; plus strand). Cytogenetic location: Xq28.
Variant type: single nucleotide variant.
Coding change: c.529-257C>G on transcript NM_000252.3 (MANE Select); 257 bases into the intron before coding-DNA position 529, C replaced by G.
Molecular consequence: intron variant.
Genome position (GRCh38, 1-based): chrX:150,641,012, C>G. VCF-style: chrX-150641012-C-G. GRCh37 (hg19) VCF-style: chrX-149809485-C-G.
Other names: c.529-257C>G (NM_001376908.1, NM_001376906.1); c.418-257C>G (NM_001376907.1).
Identifiers: ClinVar variation 672730 (VCV000672730.1), dbSNP rs55824675, ClinGen allele CA337092240.